The following is an entry in ClinVar:

NM_001458.5(FLNC):c.295A>T (p.Asn99Tyr)

Gene: FLNC (filamin C; plus strand). Cytogenetic location: 7q32.1.
Variant type: single nucleotide variant.
Coding change: c.295A>T on transcript NM_001458.5 (MANE Select); coding-DNA position 295, A replaced by T.
Protein change: p.Asn99Tyr; replaces asparagine 99 with tyrosine.
Molecular consequence: missense variant.
Genome position (GRCh38, 1-based): chr7:128,830,932, A>T. VCF-style: chr7-128830932-A-T. GRCh37 (hg19) VCF-style: chr7-128470986-A-T.
Other names: c.295A>T, p.Asn99Tyr (NM_001127487.2); short protein forms N99Y.
Identifiers: ClinVar variation 5020573 (VCV005020573.1).

ClinVar aggregate classification (germline): Uncertain significance (1 of 4 stars; one submission).

Submission:

Dasa
Classification: Uncertain significance. Last evaluated: 2026-05-14. Review status: criteria provided, single submitter. Criteria: DASA Assertion Criteria. Collection method: clinical testing. Allele origin: germline.
Comment: NM_001458.5(FLNC):c.295A>T (p.Asn99Tyr) is a missense variant that results in the substitution of asparagine with tyrosine. This variant is rare in population databases. Computational prediction algorithms are consistent with a deleterious effect. The currently available literature and clinical evidence are not sufficient to establish a definitive association between this variant and the reported condition. Therefore, this variant is classified as a variant of uncertain significance.